The following is an entry in ClinVar:

ClinVar aggregate classification (germline): Conflicting classifications of pathogenicity. Review status: criteria provided, conflicting classifications (1 of 4 stars). 3 submissions from 3 submitters: Uncertain significance (2); Likely benign (1). Last evaluated 2026-04-07.

Conditions:
Cardiovascular phenotype. Identifiers: MedGen CN230736.

gnomAD v4.1: 10 of 1,548,576 alleles (0.00065%); highest among the groups gnomAD compares: Admixed American, 0.02%; no homozygotes.

Submissions (3):

Women's Health and Genetics/Laboratory Corporation of America, LabCorp
Classification: Uncertain significance. Last evaluated: 2026-04-07. Review status: criteria provided, single submitter. Criteria: LabCorp Variant Classification Summary - May 2015. Collection method: clinical testing. Allele origin: germline.

Ambry Genetics
Classification: Likely benign for Cardiovascular phenotype. Last evaluated: 2024-03-13. Review status: criteria provided, single submitter. Criteria: Ambry Variant Classification Scheme 2023. Collection method: clinical testing. Allele origin: germline.

Labcorp Genetics (formerly Invitae), Labcorp
Classification: Uncertain significance. Last evaluated: 2022-09-30. Review status: criteria provided, single submitter. Criteria: Invitae Variant Classification Sherloc (09022015). Collection method: clinical testing. Allele origin: germline.
Comment: This sequence change replaces valine, which is neutral and non-polar, with leucine, which is neutral and non-polar, at codon 1602 of the ZNF469 protein (p.Val1602Leu). This variant is present in population databases (no rsID available, gnomAD 0.03%). This variant has not been reported in the literature in individuals affected with ZNF469-related conditions. Algorithms developed to predict the effect of missense changes on protein structure and function output the following: SIFT: "Tolerated"; PolyPhen-2: "Benign"; Align-GVGD: "Class C0". The leucine amino acid residue is found in multiple mammalian species, which suggests that this missense change does not adversely affect protein function. In summary, the available evidence is currently insufficient to determine the role of this variant in disease. Therefore, it has been classified as a Variant of Uncertain Significance.

NM_001367624.2(ZNF469):c.4888G>C (p.Val1630Leu)

Gene: ZNF469 (zinc finger protein 469; plus strand). Cytogenetic location: 16q24.2.
Variant type: single nucleotide variant.
Coding change: c.4888G>C on transcript NM_001367624.2 (MANE Select); coding-DNA position 4888, G replaced by C.
Protein change: p.Val1630Leu; replaces valine 1630 with leucine.
Molecular consequence: missense variant.
Genome position (GRCh38, 1-based): chr16:88,432,358, G>C. VCF-style: chr16-88432358-G-C. GRCh37 (hg19) VCF-style: chr16-88498766-G-C.
Other names: NM_001127464.1:c.4804G>C; short protein forms V1630L.
Identifiers: ClinVar variation 2052919 (VCV002052919.3), dbSNP rs749642726, ClinGen allele CA397094023.
Genomic context (GRCh38, chr16:88,432,358, plus strand): 5'-CGCACCTGCCAGGCCACCGTGCCCCACGAGGACACGTTCTCGGCAGCTGACCTCACGCGC[G>C]TTGGAGAATCCACTGCACATCGGGAGGGTGCGGAATCGGCTGTGGCCACCGTGGAAGCGG-3'
Protein context (NP_001354553.1, residues 1620-1640): DTFSAADLTR[Val1630Leu]GESTAHREGA